The following is an entry in ClinVar:

NM_000368.5(TSC1):c.562T>C (p.Phe188Leu)

Gene: TSC1 (TSC complex subunit 1; minus strand). Cytogenetic location: 9q34.13.
Variant type: single nucleotide variant.
Coding change: c.562T>C on transcript NM_000368.5 (MANE Select); coding-DNA position 562, T replaced by C.
Protein change: p.Phe188Leu; replaces phenylalanine 188 with leucine.
Molecular consequence: missense variant.
Genome position (GRCh38, 1-based): chr9:132,921,920, A>G on the plus strand (T>C on the coding strand, the complement: TSC1 is on the minus strand). VCF-style: chr9-132921920-A-G. GRCh37 (hg19) VCF-style: chr9-135797307-A-G.
Other names: c.562T>C, p.Phe188Leu (NM_001162426.2, NM_001406592.1, NM_001406593.1 and 16 more transcripts); c.409T>C, p.Phe137Leu (NM_001162427.2, NM_001406610.1, NM_001406611.1 and 2 more transcripts); c.199T>C, p.Phe67Leu (NM_001362177.2, NM_001406614.1, NM_001406615.1 and 10 more transcripts); c.-316T>C (NM_001406626.1, NM_001406627.1, NM_001406628.1); c.-458T>C (NM_001406629.1); c.-532T>C (NM_001406630.1); short protein forms F188L, F67L, F137L.
Identifiers: ClinVar variation 1748754 (VCV001748754.3), dbSNP rs2539014270, ClinGen allele CA375372715.
Genomic context (GRCh38, chr9:132,921,920, plus strand): 5'-TGTAATGAGAACGCAAAAAGGAGACGAAGTTGCAAGGGTACATTCCATAAAGGCGATGAA[A>G]GAGTGCGTACACACTGGCATGGAGATGGACGAGATAGACTTCCGCCACGTGGCCTAGAAA-3'
Protein context (NP_000359.1, residues 178-198): VHLHASVYAL[Phe188Leu]HRLYGMYPCN

ClinVar aggregate classification (germline): Uncertain significance (1 of 4 stars; one submission).

Conditions:
Hereditary cancer-predisposing syndrome. Also called: Hereditary Cancer Syndrome; Hereditary neoplastic syndrome; Neoplastic Syndromes, Hereditary; Tumor predisposition. Identifiers: Orphanet 140162, MedGen C0027672, MeSH D009386, MONDO:0015356.

Submission:

Ambry Genetics
Classification: Uncertain significance for Hereditary cancer-predisposing syndrome. Last evaluated: 2026-08-11. Review status: criteria provided, single submitter. Criteria: Ambry Variant Classification Scheme 2023. Collection method: clinical testing. Allele origin: germline.
Comment: The p.F188L variant (also known as c.562T>C), located in coding exon 5 of the TSC1 gene, results from a T to C substitution at nucleotide position 562. The phenylalanine at codon 188 is replaced by leucine, an amino acid with highly similar properties. This amino acid position is highly conserved in available vertebrate species. In addition, this alteration is predicted to be deleterious by in silico analysis. Since supporting evidence is limited at this time, the clinical significance of this alteration remains unclear.